The following is an entry in ClinVar:

NM_001792.5(CDH2):c.587G>T (p.Ser196Ile)

Gene: CDH2 (cadherin 2; minus strand). Cytogenetic location: 18q12.1.
Variant type: single nucleotide variant.
Coding change: c.587G>T on transcript NM_001792.5 (MANE Select); coding-DNA position 587, G replaced by T.
Protein change: p.Ser196Ile; replaces serine 196 with isoleucine.
Molecular consequence: missense variant.
Genome position (GRCh38, 1-based): chr18:28,009,832, C>A on the plus strand (G>T on the coding strand, the complement: CDH2 is on the minus strand). VCF-style: chr18-28009832-C-A. GRCh37 (hg19) VCF-style: chr18-25589796-C-A.
Other names: c.494G>T, p.Ser165Ile (NM_001308176.2); short protein forms S196I, S165I.
Identifiers: ClinVar variation 4735080 (VCV004735080.1).

ClinVar aggregate classification (germline): Uncertain significance (1 of 4 stars; one submission).

Submission:

Labcorp Genetics (formerly Invitae), Labcorp
Classification: Uncertain significance. Last evaluated: 2026-01-11. Review status: criteria provided, single submitter. Criteria: Invitae Variant Classification Sherloc (09022015). Collection method: clinical testing. Allele origin: germline.
Comment: This sequence change replaces serine, which is neutral and polar, with isoleucine, which is neutral and non-polar, at codon 196 of the CDH2 protein (p.Ser196Ile). This variant is not present in population databases (gnomAD no frequency). This variant has not been reported in the literature in individuals affected with CDH2-related conditions. An algorithm developed to predict the effect of missense changes on protein structure and function (PolyPhen-2) suggests that this variant is likely to be disruptive. In summary, the available evidence is currently insufficient to determine the role of this variant in disease. Therefore, it has been classified as a Variant of Uncertain Significance.